The following is an entry in ClinVar:

ClinVar aggregate classification (germline): Uncertain significance (1 of 4 stars; one submission).

Allele frequency attached by ClinVar (database versions not stated): TOPMed below 0.00001; ExAC 0.00001; gnomAD exomes 0.00001.

Submission:

Labcorp Genetics (formerly Invitae), Labcorp
Classification: Uncertain significance. Last evaluated: 2022-08-03. Review status: criteria provided, single submitter. Criteria: Invitae Variant Classification Sherloc (09022015). Collection method: clinical testing. Allele origin: germline.
Comment: In summary, the available evidence is currently insufficient to determine the role of this variant in disease. Therefore, it has been classified as a Variant of Uncertain Significance. Algorithms developed to predict the effect of missense changes on protein structure and function are either unavailable or do not agree on the potential impact of this missense change (SIFT: "Not Available"; PolyPhen-2: "Benign"; Align-GVGD: "Not Available"). This variant has not been reported in the literature in individuals affected with VPS13D-related conditions. This variant is present in population databases (rs773636350, gnomAD 0.006%). This sequence change replaces methionine, which is neutral and non-polar, with isoleucine, which is neutral and non-polar, at codon 1907 of the VPS13D protein (p.Met1907Ile).

NM_015378.4(VPS13D):c.5721G>T (p.Met1907Ile)

Gene: VPS13D (vacuolar protein sorting 13 homolog D; plus strand). Cytogenetic location: 1p36.22.
Variant type: single nucleotide variant.
Coding change: c.5721G>T on transcript NM_015378.4 (MANE Select); coding-DNA position 5721, G replaced by T.
Protein change: p.Met1907Ile; replaces methionine 1907 with isoleucine.
Molecular consequence: missense variant.
Genome position (GRCh38, 1-based): chr1:12,288,309, G>T. VCF-style: chr1-12288309-G-T. GRCh37 (hg19) VCF-style: chr1-12348366-G-T.
Other names: c.5721G>T, p.Met1907Ile (NM_018156.4); short protein forms M1907I.
Identifiers: ClinVar variation 1926544 (VCV001926544.5), dbSNP rs773636350, ClinGen allele CA602386.